The following is an entry in ClinVar:

ClinVar aggregate classification (germline): Conflicting classifications of pathogenicity. Review status: criteria provided, conflicting classifications (1 of 4 stars). 5 submissions from 5 submitters: Likely pathogenic (1); Uncertain significance (3). 1 of the submissions does not count toward it. Last evaluated 2026-05-01.

Conditions:
TTN-related disorder. Also called: TTN-related disorders; TTN-related condition; TTN-related disease.
Dilated cardiomyopathy 1G (CMD1G). Identifiers: Orphanet 154, MedGen C1858763, MONDO:0011400, OMIM 604145.
Autosomal recessive limb-girdle muscular dystrophy type 2J (LGMDR10). Also called: Limb-girdle muscular dystrophy, type 2J; MUSCULAR DYSTROPHY, LIMB-GIRDLE, AUTOSOMAL RECESSIVE 10. Identifiers: Orphanet 140922, MedGen C1837342, MONDO:0012127, OMIM 608807.

Allele frequency attached by ClinVar (database versions not stated): ExAC 0.00002; gnomAD 0.00002; TOPMed 0.00003; gnomAD exomes 0.00005.
gnomAD v4.1: 45 of 1,613,514 alleles (0.0028%); highest among the groups gnomAD compares: East Asian, 0.02%; no homozygotes.

Submissions (5):

Women's Health and Genetics/Laboratory Corporation of America, LabCorp
Classification: Uncertain significance. Last evaluated: 2026-05-01. Review status: criteria provided, single submitter. Criteria: LabCorp Variant Classification Summary - May 2015. Collection method: clinical testing. Allele origin: germline.
Comment: Variant summary: TTN c.99551G>A (p.Arg33184His) results in a non-conservative amino acid change in the encoded protein sequence. Algorithms developed to predict the effect of missense changes on protein structure and function are either unavailable or do not agree on the potential impact of this missense change. The variant allele was found at a frequency of 4.8e-05 in 248658 control chromosomes (gnomAD). This frequency is not significantly higher than estimated for disease-causing variants in TTN, allowing no conclusion about variant significance. c.99551G>A has been observed in one individual affected with Dilated Cardiomyopathy (Burstein_2021). The report does not provide unequivocal conclusions about association of the variant with Dilated Cardiomyopathy. To our knowledge, no experimental evidence demonstrating an impact on protein function has been reported. The following publication have been ascertained in the context of this evaluation (PMID: 32746448). ClinVar contains an entry for this variant (Variation ID: 191127). Based on the evidence outlined above, the variant was classified as uncertain significance.

Revvity Omics, Revvity
Classification: Uncertain significance. Last evaluated: 2023-04-25. Review status: criteria provided, single submitter. Criteria: ACMG Guidelines, 2015. Collection method: clinical testing. Allele origin: germline.

Labcorp Genetics (formerly Invitae), Labcorp
Classification: Uncertain significance for Dilated cardiomyopathy 1G; Autosomal recessive limb-girdle muscular dystrophy type 2J. Last evaluated: 2017-08-14. Review status: criteria provided, single submitter. Criteria: Invitae Variant Classification Sherloc (09022015). Collection method: clinical testing. Allele origin: germline.

Genomic Medicine Center of Excellence, King Faisal Specialist Hospital and Research Centre
Classification: Likely pathogenic. Review status: criteria provided, single submitter. Criteria: ACMG Guidelines, 2015. Collection method: research. Allele origin: germline. Affected: yes.

PreventionGenetics, part of Exact Sciences
Classification: Uncertain significance for TTN-related condition. Last evaluated: 2024-04-04. Review status: no assertion criteria provided. Collection method: clinical testing. Allele origin: germline. Not counted in ClinVar's aggregate classification.
Comment: The TTN c.107255G>A variant is predicted to result in the amino acid substitution p.Arg35752His. To our knowledge, this variant has not been reported in the literature. This variant is reported in 0.026% of alleles in individuals of East Asian descent in gnomAD. At this time, the clinical significance of this variant is uncertain due to the absence of conclusive functional and genetic evidence.

Literature cited by the submitters: PubMed 32746448 (cited by Women's Health and Genetics/Laboratory Corporation of America, LabCorp).

NM_001267550.2(TTN):c.107255G>A (p.Arg35752His)

Genes: TTN (titin; minus strand), TTN-AS1 (TTN antisense RNA 1; plus strand). Cytogenetic location: 2q31.2.
Variant type: single nucleotide variant.
Coding change: c.107255G>A on transcript NM_001267550.2 (MANE Select); coding-DNA position 107255, G replaced by A.
Protein change: p.Arg35752His; replaces arginine 35752 with histidine.
Molecular consequence: missense variant.
Genome position (GRCh38, 1-based): chr2:178,528,396, C>T on the plus strand (G>A on the coding strand, the complement: TTN is on the minus strand). VCF-style: chr2-178528396-C-T. GRCh37 (hg19) VCF-style: chr2-179393123-C-T.
Other names: c.102332G>A, p.Arg34111His (NM_001256850.1); c.80060G>A, p.Arg26687His (NM_003319.4); c.99551G>A, p.Arg33184His (NM_133378.4); c.80435G>A, p.Arg26812His (NM_133432.3); c.80636G>A, p.Arg26879His (NM_133437.4); short protein forms R35752H, R26687H, R34111H, R33184H, R26812H, R26879H.
Identifiers: ClinVar variation 191127 (VCV000191127.8), dbSNP rs760107623, ClinGen allele CA236074.